The following is an entry in ClinVar:

ClinVar aggregate classification (germline): Uncertain significance (1 of 4 stars; one submission).

Conditions:
Nephronophthisis. Also called: Juvenile Nephronophthisis. Identifiers: Orphanet 655, MedGen C0687120, MONDO:0019005, HP:0000090.

Submission:

Labcorp Genetics (formerly Invitae), Labcorp
Classification: Uncertain significance for Nephronophthisis. Last evaluated: 2024-03-04. Review status: criteria provided, single submitter. Criteria: Invitae Variant Classification Sherloc (09022015). Collection method: clinical testing. Allele origin: germline.
Comment: This sequence change falls in intron 26 of the NPHP3 gene. It does not directly change the encoded amino acid sequence of the NPHP3 protein. It affects a nucleotide within the consensus splice site. This variant is not present in population databases (gnomAD no frequency). This variant has not been reported in the literature in individuals affected with NPHP3-related conditions. ClinVar contains an entry for this variant (Variation ID: 1998949). Variants that disrupt the consensus splice site are a relatively common cause of aberrant splicing (PMID: 17576681, 9536098). Algorithms developed to predict the effect of sequence changes on RNA splicing suggest that this variant may disrupt the consensus splice site. In summary, the available evidence is currently insufficient to determine the role of this variant in disease. Therefore, it has been classified as a Variant of Uncertain Significance.

Literature cited by the submitters: PubMed 17576681; PubMed 9536098.

NM_153240.5(NPHP3):c.3812+4A>T

Genes: NPHP3 (nephrocystin 3; minus strand), NPHP3-ACAD11 (NPHP3-ACAD11 readthrough (NMD candidate); minus strand). Cytogenetic location: 3q22.1.
Variant type: single nucleotide variant.
Coding change: c.3812+4A>T on transcript NM_153240.5 (MANE Select); 4 bases into the intron after coding-DNA position 3812, A replaced by T.
Molecular consequence: intron variant.
Genome position (GRCh38, 1-based): chr3:132,682,699, T>A on the plus strand (A>T on the coding strand, the complement: NPHP3 is on the minus strand). VCF-style: chr3-132682699-T-A. GRCh37 (hg19) VCF-style: chr3-132401543-T-A.
Identifiers: ClinVar variation 1998949 (VCV001998949.4), dbSNP rs2530374879, ClinGen allele CA2580068774.